The following is an entry in ClinVar:

NM_033305.3(VPS13A):c.2250_2253del (p.Ser751fs)

Gene: VPS13A (vacuolar protein sorting 13 homolog A; plus strand). Cytogenetic location: 9q21.2.
Variant type: Deletion.
Coding change: c.2250_2253del on transcript NM_033305.3 (MANE Select); coding-DNA positions 2250 to 2253, 4 bases deleted (GTCT; older notation c.2250_2253delGTCT).
Protein change: p.Ser751fs; shifts the reading frame from serine 751.
Molecular consequence: frameshift variant.
Genome position (GRCh38, 1-based): chr9:77,252,314-77,252,317, GTCT deleted; deleting any 4 consecutive bases within chr9:77,252,312-77,252,317 gives the same sequence; the c. name uses the placement nearest the transcript's 3' end. VCF-style (leftmost placement, unchanged base first): chr9-77252311-ACTGT-A. GRCh37 (hg19) VCF-style: chr9-79867227-ACTGT-A.
Other names: c.2250_2253del, p.Ser751fs (NM_001018037.2, NM_001018038.3, NM_015186.4); short protein forms S751fs.
Identifiers: ClinVar variation 2795769 (VCV002795769.3), dbSNP rs1825188053, ClinGen allele CA1857166725.
Genomic context (GRCh38, chr9:77,252,311, plus strand): 5'-AGCACGAAAACTCAGTGTATCTACCCAGCATATTTTGGTACCCATGCACTTCAATTTGGA[ACTGT>A]CTAAGGCCATGGTTTTCATGGATGTAAGGATGCCCAAGTATGTACTGTTTGTTTCATGTG-3'

ClinVar aggregate classification (germline): Pathogenic (1 of 4 stars; one submission).

Submission:

Labcorp Genetics (formerly Invitae), Labcorp
Classification: Pathogenic. Last evaluated: 2024-02-14. Review status: criteria provided, single submitter. Criteria: Invitae Variant Classification Sherloc (09022015). Collection method: clinical testing. Allele origin: germline.
Comment: This sequence change creates a premature translational stop signal (p.Ser751Argfs*8) in the VPS13A gene. It is expected to result in an absent or disrupted protein product. Loss-of-function variants in VPS13A are known to be pathogenic (PMID: 12404112, 21598378). This variant is not present in population databases (gnomAD no frequency). This variant has not been reported in the literature in individuals affected with VPS13A-related conditions. For these reasons, this variant has been classified as Pathogenic.

Literature cited by the submitters: PubMed 12404112; PubMed 21598378.